The following is an entry in ClinVar:

ClinVar aggregate classification (germline): Uncertain significance (1 of 4 stars; one submission).

Conditions:
Inborn genetic diseases. Identifiers: MedGen C0950123, MeSH D030342.

Submission:

Ambry Genetics
Classification: Uncertain significance for Inborn genetic diseases. Last evaluated: 2026-02-21. Review status: criteria provided, single submitter. Criteria: Ambry Variant Classification Scheme 2023. Collection method: clinical testing. Allele origin: germline.
Comment: The p.R37W variant (also known as c.109C>T), located in coding exon 2 of the ELANE gene, results from a C to T substitution at nucleotide position 109. The arginine at codon 37 is replaced by tryptophan, an amino acid with dissimilar properties. This amino acid position is conserved. In addition, the in silico prediction for this alteration is inconclusive. Based on the available evidence, the clinical significance of this variant remains unclear.

NM_001972.4(ELANE):c.109C>T (p.Arg37Trp)

Gene: ELANE (elastase, neutrophil expressed; plus strand). Cytogenetic location: 19p13.3.
Variant type: single nucleotide variant.
Coding change: c.109C>T on transcript NM_001972.4 (MANE Select); coding-DNA position 109, C replaced by T.
Protein change: p.Arg37Trp; replaces arginine 37 with tryptophan.
Molecular consequence: missense variant.
Genome position (GRCh38, 1-based): chr19:852,917, C>T. VCF-style: chr19-852917-C-T. GRCh37 (hg19) VCF-style: chr19-852917-C-T.
Other names: short protein forms R37W.
Identifiers: ClinVar variation 4824016 (VCV004824016.1).
Genomic context (GRCh38, chr19:852,917, plus strand): 5'-GCACCCGGTGTGTCCCCAGGCACCGCGCTGGCCTCGGAGATTGTGGGGGGCCGGCGAGCG[C>T]GGCCCCACGCGTGGCCCTTCATGGTGTCCCTGCAGCTGCGCGGAGGCCACTTCTGCGGCG-3'
Protein context (NP_001963.1, residues 27-47): ASEIVGGRRA[Arg37Trp]PHAWPFMVSL